The following is an entry in ClinVar:

NM_000520.6(HEXA):c.1395C>G (p.Asp465Glu)

Gene: HEXA (hexosaminidase subunit alpha; minus strand). Cytogenetic location: 15q23.
Variant type: single nucleotide variant.
Coding change: c.1395C>G on transcript NM_000520.6 (MANE Select); coding-DNA position 1395, C replaced by G.
Protein change: p.Asp465Glu; replaces aspartic acid 465 with glutamic acid.
Molecular consequence: missense variant. On other transcripts: non-coding transcript variant (1).
Genome position (GRCh38, 1-based): chr15:72,346,261, G>C on the plus strand (C>G on the coding strand, the complement: HEXA is on the minus strand). VCF-style: chr15-72346261-G-C. GRCh37 (hg19) VCF-style: chr15-72638602-G-C.
Other names: c.1428C>G, p.Asp476Glu (NM_001318825.2); short protein forms D476E, D465E.
Identifiers: ClinVar variation 3719775 (VCV003719775.2).

ClinVar aggregate classification (germline): Likely pathogenic (1 of 4 stars; one submission).

Conditions:
Tay-Sachs disease (TSD). Also called: HEXA DEFICIENCY; GM2 gangliosidosis, type 1; Hexosaminidase alpha-subunit deficiency (variant B); Sphingolipidosis, Tay-Sachs; Hexosaminidase A Deficiency; HEXA Disorders. Identifiers: Orphanet 845, MedGen C0039373, MONDO:0010100, OMIM 272800.

Submission:

Labcorp Genetics (formerly Invitae), Labcorp
Classification: Likely pathogenic for Tay-Sachs disease. Last evaluated: 2024-12-03. Review status: criteria provided, single submitter. Criteria: Invitae Variant Classification Sherloc (09022015). Collection method: clinical testing. Allele origin: germline.
Comment: This sequence change replaces aspartic acid, which is acidic and polar, with glutamic acid, which is acidic and polar, at codon 465 of the HEXA protein (p.Asp465Glu). This variant is not present in population databases (gnomAD no frequency). This variant has not been reported in the literature in individuals affected with HEXA-related conditions. Invitae Evidence Modeling of protein sequence and biophysical properties (such as structural, functional, and spatial information, amino acid conservation, physicochemical variation, residue mobility, and thermodynamic stability) indicates that this missense variant is expected to disrupt HEXA protein function with a positive predictive value of 95%. This variant disrupts the p.Asp465 amino acid residue in HEXA. Other variant(s) that disrupt this residue have been determined to be pathogenic (PMID: 11317368; internal data). This suggests that this residue is clinically significant, and that variants that disrupt this residue are likely to be disease-causing. In summary, the currently available evidence indicates that the variant is pathogenic, but additional data are needed to prove that conclusively. Therefore, this variant has been classified as Likely Pathogenic.

Literature cited by the submitters: PubMed 11317368.